The following is an entry in ClinVar:

NM_133459.4(CCBE1):c.775+17G>A

Gene: CCBE1 (collagen and calcium binding EGF domains 1; minus strand). Cytogenetic location: 18q21.32.
Variant type: single nucleotide variant.
Coding change: c.775+17G>A on transcript NM_133459.4 (MANE Select); 17 bases into the intron after coding-DNA position 775, G replaced by A.
Molecular consequence: intron variant.
Genome position (GRCh38, 1-based): chr18:59,447,966, C>T on the plus strand (G>A on the coding strand, the complement: CCBE1 is on the minus strand). VCF-style: chr18-59447966-C-T. GRCh37 (hg19) VCF-style: chr18-57115198-C-T.
Identifiers: ClinVar variation 1906834 (VCV001906834.11), dbSNP rs564797844, ClinGen allele CA8980344.

ClinVar aggregate classification (germline): Likely benign. Review status: criteria provided, multiple submitters, no conflicts (2 of 4 stars). 2 submissions from 2 submitters: Likely benign (2). Last evaluated 2025-11-01.

Allele frequency attached by ClinVar (database versions not stated): TOPMed below 0.00001; gnomAD 0.00001; gnomAD exomes 0.00005; ExAC 0.00008; 1000 Genomes Project 30x 0.00016; 1000 Genomes Project 0.00020.
gnomAD v4.1: 80 of 1,613,950 alleles (0.005%); highest among the groups gnomAD compares: South Asian, 0.082%; 2 homozygotes.

Submissions (2):

CeGaT Center for Human Genetics Tuebingen
Classification: Likely benign. Last evaluated: 2025-11-01. Review status: criteria provided, single submitter. Criteria: CeGaT Center For Human Genetics Tuebingen Variant Classification Criteria Version 2. Collection method: clinical testing. Allele origin: germline. Affected: yes. Observed: 1 variant allele.
Comment: CCBE1: BP4, BP7

Labcorp Genetics (formerly Invitae), Labcorp
Classification: Likely benign. Last evaluated: 2025-03-03. Review status: criteria provided, single submitter. Criteria: Invitae Variant Classification Sherloc (09022015). Collection method: clinical testing. Allele origin: germline.